The following is an entry in ClinVar:

NM_001033855.3(DCLRE1C):c.1208A>G (p.His403Arg)

Gene: DCLRE1C (DNA cross-link repair 1C; minus strand). Cytogenetic location: 10p13.
Variant type: single nucleotide variant.
Coding change: c.1208A>G on transcript NM_001033855.3 (MANE Select); coding-DNA position 1208, A replaced by G.
Protein change: p.His403Arg; replaces histidine 403 with arginine.
Molecular consequence: missense variant. On other transcripts: non-coding transcript variant (4).
Genome position (GRCh38, 1-based): chr10:14,909,279, T>C on the plus strand (A>G on the coding strand, the complement: DCLRE1C is on the minus strand). VCF-style: chr10-14909279-T-C. GRCh37 (hg19) VCF-style: chr10-14951278-T-C.
Other names: c.863A>G, p.His288Arg (NM_001350966.2, NM_022487.4, NM_001289076.2 and 1 more transcripts); c.848A>G, p.His283Arg (NM_001350967.2, NM_001033857.3, NM_001033858.3 and 2 more transcripts); c.1208A>G, p.His403Arg (NM_001350965.2); short protein forms H288R, H283R, H403R.
Identifiers: ClinVar variation 2114299 (VCV002114299.5), dbSNP rs1588896251, ClinGen allele CA376076727.

ClinVar aggregate classification (germline): Uncertain significance. Review status: criteria provided, multiple submitters, no conflicts (2 of 4 stars). 2 submissions from 2 submitters: Uncertain significance (2). Last evaluated 2022-11-10.

Conditions:
Severe combined immunodeficiency due to DCLRE1C deficiency (RS-SCID). Also called: SCID, AUTOSOMAL RECESSIVE, T CELL-NEGATIVE, B CELL-NEGATIVE, NK CELL-POSITIVE, WITH SENSITIVITY TO IONIZING RADIATION. Identifiers: Orphanet 275, MedGen C1865371, MONDO:0011225, OMIM 602450.
Inborn genetic diseases. Identifiers: MedGen C0950123, MeSH D030342.

Allele frequency attached by ClinVar (database versions not stated): gnomAD exomes below 0.00001.
gnomAD v4.1: 1 of 1,613,872 alleles (0.000062%); highest among the groups gnomAD compares: Admixed American, 0.0017%; no homozygotes.

Submissions (2):

Ambry Genetics
Classification: Uncertain significance for Inborn genetic diseases. Last evaluated: 2022-11-10. Review status: criteria provided, single submitter. Criteria: Ambry Variant Classification Scheme 2023. Collection method: clinical testing. Allele origin: germline.

Labcorp Genetics (formerly Invitae), Labcorp
Classification: Uncertain significance for Athabaskan severe combined immunodeficiency. Last evaluated: 2022-07-02. Review status: criteria provided, single submitter. Criteria: Invitae Variant Classification Sherloc (09022015). Collection method: clinical testing. Allele origin: germline.
Comment: In summary, the available evidence is currently insufficient to determine the role of this variant in disease. Therefore, it has been classified as a Variant of Uncertain Significance. Algorithms developed to predict the effect of missense changes on protein structure and function (SIFT, PolyPhen-2, Align-GVGD) all suggest that this variant is likely to be tolerated. This variant has not been reported in the literature in individuals affected with DCLRE1C-related conditions. This variant is not present in population databases (gnomAD no frequency). This sequence change replaces histidine, which is basic and polar, with arginine, which is basic and polar, at codon 403 of the DCLRE1C protein (p.His403Arg).